The following is an entry in ClinVar:

ClinVar aggregate classification (germline): Uncertain significance (1 of 4 stars; one submission).

Submission:

Labcorp Genetics (formerly Invitae), Labcorp
Classification: Uncertain significance. Last evaluated: 2024-12-27. Review status: criteria provided, single submitter. Criteria: Invitae Variant Classification Sherloc (09022015). Collection method: clinical testing. Allele origin: germline.
Comment: This sequence change replaces arginine, which is basic and polar, with isoleucine, which is neutral and non-polar, at codon 2888 of the CPLANE1 protein (p.Arg2888Ile). This variant is not present in population databases (gnomAD no frequency). This variant has not been reported in the literature in individuals affected with CPLANE1-related conditions. Invitae Evidence Modeling of protein sequence and biophysical properties (such as structural, functional, and spatial information, amino acid conservation, physicochemical variation, residue mobility, and thermodynamic stability) indicates that this missense variant is not expected to disrupt CPLANE1 protein function with a negative predictive value of 95%. In summary, the available evidence is currently insufficient to determine the role of this variant in disease. Therefore, it has been classified as a Variant of Uncertain Significance.

NM_001384732.1(CPLANE1):c.8825G>T (p.Arg2942Ile)

Gene: CPLANE1 (ciliogenesis and planar polarity effector complex subunit 1; minus strand). Cytogenetic location: 5p13.2.
Variant type: single nucleotide variant.
Coding change: c.8825G>T on transcript NM_001384732.1 (MANE Select); coding-DNA position 8825, G replaced by T.
Protein change: p.Arg2942Ile; replaces arginine 2942 with isoleucine.
Molecular consequence: missense variant.
Genome position (GRCh38, 1-based): chr5:37,125,377, C>A on the plus strand (G>T on the coding strand, the complement: CPLANE1 is on the minus strand). VCF-style: chr5-37125377-C-A. GRCh37 (hg19) VCF-style: chr5-37125479-C-A.
Other names: c.8663G>T, p.Arg2888Ile (NM_023073.4); short protein forms R2888I, R2942I.
Identifiers: ClinVar variation 3635365 (VCV003635365.2).